The following is an entry in ClinVar:

ClinVar aggregate classification (germline): Likely pathogenic. Review status: criteria provided, multiple submitters, no conflicts (2 of 4 stars). 2 submissions from 2 submitters: Likely pathogenic (2). Last evaluated 2022-03-13.

Allele frequency attached by ClinVar (database versions not stated): gnomAD 0.00001; TOPMed 0.00003.

Submissions (2):

Labcorp Genetics (formerly Invitae), Labcorp
Classification: Likely pathogenic. Last evaluated: 2022-03-13. Review status: criteria provided, single submitter. Criteria: Invitae Variant Classification Sherloc (09022015). Collection method: clinical testing. Allele origin: germline.
Comment: This sequence change affects a donor splice site in intron 25 of the DUOX2 gene. It is expected to disrupt RNA splicing. Variants that disrupt the donor or acceptor splice site typically lead to a loss of protein function (PMID: 16199547), and loss-of-function variants in DUOX2 are known to be pathogenic (PMID: 12110737, 18765513, 21565790, 24423310, 24735383). In summary, the currently available evidence indicates that the variant is pathogenic, but additional data are needed to prove that conclusively. Therefore, this variant has been classified as Likely Pathogenic. Algorithms developed to predict the effect of sequence changes on RNA splicing suggest that this variant may disrupt the consensus splice site. This variant has not been reported in the literature in individuals affected with DUOX2-related conditions. This variant is present in population databases (no rsID available, gnomAD 0.01%).

GeneDx
Classification: Likely pathogenic. Last evaluated: 2022-01-14. Review status: criteria provided, single submitter. Criteria: GeneDx Variant Classification Process June 2021. Collection method: clinical testing. Allele origin: germline. Affected: yes.
Comment: Canonical splice site variant expected to result in aberrant splicing, although in the absence of functional evidence the actual effect of this sequence change is unknown.; Not observed at significant frequency in large population cohorts (gnomAD); Has not been previously published as pathogenic or benign to our knowledge; This variant is associated with the following publications: (PMID: 34200080)

Literature cited by the submitters: PubMed 16199547 (cited by Labcorp Genetics (formerly Invitae), Labcorp); PubMed 12110737 (cited by Labcorp Genetics (formerly Invitae), Labcorp); PubMed 18765513 (cited by Labcorp Genetics (formerly Invitae), Labcorp); PubMed 21565790 (cited by Labcorp Genetics (formerly Invitae), Labcorp); PubMed 24423310 (cited by Labcorp Genetics (formerly Invitae), Labcorp); PubMed 24735383 (cited by Labcorp Genetics (formerly Invitae), Labcorp).

NM_001363711.2(DUOX2):c.3415+1G>C

Gene: DUOX2 (dual oxidase 2; minus strand). Cytogenetic location: 15q21.1.
Variant type: single nucleotide variant.
Coding change: c.3415+1G>C on transcript NM_001363711.2 (MANE Select); the canonical splice donor site of the intron after coding-DNA position 3415, G replaced by C.
Molecular consequence: splice donor variant.
Genome position (GRCh38, 1-based): chr15:45,099,661, C>G on the plus strand (G>C on the coding strand, the complement: DUOX2 is on the minus strand). VCF-style: chr15-45099661-C-G. GRCh37 (hg19) VCF-style: chr15-45391859-C-G.
Other names: c.3415+1G>C (NM_014080.5).
Identifiers: ClinVar variation 1702819 (VCV001702819.7), dbSNP rs941026356, ClinGen allele CA270122384.